The following is an entry in ClinVar:

NM_000132.4(F8):c.222G>A (p.Thr74=)

Gene: F8 (coagulation factor VIII; minus strand). Cytogenetic location: Xq28.
Variant type: single nucleotide variant.
Coding change: c.222G>A on transcript NM_000132.4 (MANE Select); coding-DNA position 222, G replaced by A.
Protein change: p.Thr74=; no amino-acid change (threonine 74 retained).
Molecular consequence: synonymous variant.
Genome position (GRCh38, 1-based): chrX:154,999,522, C>T on the plus strand (G>A on the coding strand, the complement: F8 is on the minus strand). VCF-style: chrX-154999522-C-T. GRCh37 (hg19) VCF-style: chrX-154227797-C-T.
Other names: NM_000132.4(F8):c.222G>A; p.Thr74=.
Identifiers: ClinVar variation 618103 (VCV000618103.15), dbSNP rs1232517683, ClinGen allele CA519384276.

ClinVar aggregate classification (germline): Uncertain significance. Review status: reviewed by expert panel (3 of 4 stars). 7 submissions from 7 submitters: Uncertain significance (1). 6 of the submissions do not count toward it. Last evaluated 2025-12-05.

Conditions:
F8-related disorder. Also called: F8-related condition.
Inborn genetic diseases. Identifiers: MedGen C0950123, MeSH D030342.
Hereditary factor VIII deficiency disease (HEMA). Also called: AUTOSOMAL HEMOPHILIA A; Hemophilia A; HEMOPHILIA, CLASSIC; Hemophilia A, congenital; HEM A; Factor 8 deficiency, congenital. Identifiers: Orphanet 98878, MedGen C0019069, MONDO:0010602, OMIM 306700.

Allele frequency attached by ClinVar (database versions not stated): gnomAD exomes below 0.00001 and 0.00001; TOPMed 0.00009; gnomAD 0.00011 and 0.00012.
gnomAD v4.1: 17 of 1,206,490 alleles (0.0014%); highest among the groups gnomAD compares: Admixed American, 0.022%; no homozygotes.

Submissions (7):

ClinGen Coagulation Factor Deficiency Variant Curation Expert Panel, Clingen
Classification: Uncertain significance for Hereditary factor VIII deficiency disease. Last evaluated: 2025-12-05. Review status: reviewed by expert panel. Criteria: ClinGen CoagFactor ACMG Specifications F8 V1.0.0. Collection method: curation. Allele origin: germline. Inheritance: X-linked inheritance.
Comment: The c.222G>A (p.Thr74=) variant is a synonymous change that may result in abnormal gene splicing. The Grpmax filtering allele frequency in gnomad V4.1.0 is 0.0001184 (BS1). This variant has been reported in at least nine males with mild hemophilia A (PMIDs: 35770352, 35743412, 30690819; Fernández-Artazcoz (2024), and Internal Laboratory Data), including at least one patient who underwent comprehensive testing with F8 sequencing and CNV analysis, and at least one patient with type 2N von Willebrand disease excluded by normal 2N binding. Patients have also been reported with reduced factor VIII activity levels >40% (PMIDs: 25652415, Fernández-Artazcoz (2024)), indicating that the variant is associated with a spectrum of factor VIII reduction extending into the low-normal range. Patient mRNA analyses show variable splicing patterns, with some samples containing both full length and exon 2 skipped transcripts, while others predominantly express the wildtype transcript. (PMIDs: 25652415, 34962362, 23088352). This variability is consistent with incomplete or leaky splicing, likely reflecting differences in individual sensitivity to the splice defect. No PS4 or PP4 points have been applied due to the variant meeting BS1. A minigene assay showed normal exon 2 splicing for c.222G>A in HeLa and in Huh7 hepatocyte derived cells (PMID: 30690819). In summary, the clinical significance of this variant is uncertain. ACMG/AMP criteria applied, as specified by the Coagulation Factor Deficiency Variant Curation Expert Panel for F8/F9: BS1.

PreventionGenetics, part of Exact Sciences
Classification: Uncertain significance for F8-related condition. Last evaluated: 2026-08-25. Review status: criteria provided, single submitter. Criteria: ACMG Guidelines, 2015. Collection method: clinical testing. Allele origin: germline. Not counted in ClinVar's aggregate classification.
Comment: The F8 c.222G>A variant is not predicted to result in an amino acid change (p.=). This variant has been reported in individuals with mild hemophilia A (Zimmermann et al. 2013. PubMed ID: 23088352; Martorell et al. 2015. PubMed ID: 25652415; Jourdy et al. 2019. PubMed ID: 30690819). However, functional studies showed conflicting results: no effect on mRNA splicing was reported in Zimmermann et al. and Jourdy et al’s studies, whereas partial mRNA skipping was described by Martorell et al. (Zimmermann et al. 2013. PubMed ID: 23088352; Martorell et al. 2015. PubMed ID: 25652415; Jourdy et al. 2019. PubMed ID: 30690819). This variant is reported in 0.0022% of alleles in individuals of European (non-Finnish) descent in gnomAD and has been classified as uncertain by a hemophilia expert panel in ClinVar (Variation ID: 618103). Although we suspect that this variant may be pathogenic, at this time, the clinical significance of this variant is uncertain due to the absence of conclusive functional and genetic evidence.

Myriad Genetics, Inc.
Classification: Likely pathogenic for Hereditary factor VIII deficiency disease. Last evaluated: 2026-07-28. Review status: criteria provided, single submitter. Criteria: Myriad Autosomal Dominant, Autosomal Recessive and X-Linked Classification Criteria (2023). Collection method: clinical testing. Allele origin: unknown. Not counted in ClinVar's aggregate classification.
Comment: NM_000132.3(F8):c.222G>A(aka T74=) is a silent variant classified as likely pathogenic in the context of hemophilia A. T74= has been observed in cases with relevant disease (PMID: 23088352, 30690819, 36007526, 25652415, 35743412, 35770352, Fernandez-Artazcoz_2024_(Poster)). Relevant functional assessments of this variant are available in the literature (PMID: 23088352, 30690819, 25652415, 34962362). T74= has been observed in referenced population frequency databases. In summary, NM_000132.3(F8):c.222G>A(aka T74=) is a silent variant that has been observed more frequently in cases with the relevant disease than in healthy populations. Please note: this variant was assessed in the context of healthy population screening.

Women's Health and Genetics/Laboratory Corporation of America, LabCorp
Classification: Uncertain significance. Last evaluated: 2026-03-02. Review status: criteria provided, single submitter. Criteria: LabCorp Variant Classification Summary - May 2015. Collection method: clinical testing. Allele origin: germline. Not counted in ClinVar's aggregate classification.
Comment: Variant summary: F8 c.222G>A results in a synonymous change. Consensus agreement among computation tools predict no significant impact on normal splicing. However, several publications report experimental evidence with conflicting results on whether this variant affects mRNA splicing. One publication reports that the variant leads to the production of a combination of wild-type transcripts and transcripts lacking exon 2, leading to the introduction of a premature termination codon (Martorell_2015). Conversely, two other publications report that the variant results in no aberrant splicing in both patient-derived cDNA and a minigene splicing assay (Zimmerman_2013, Jourdy_2019). The variant allele was found at a frequency of 1.4e-05 in 1206490 control chromosomes (i.e., 17 alleles including 5 hemizygotes; gnomAD v4). The available data on variant occurrences in the general population are insufficient to allow any conclusion about variant significance. c.222G>A has been observed in individuals affected with Factor VIII Deficiency (Hemophilia A), often in association with a mild phenotype (e.g., Bernardo_2022, Johnsen_2022, Kingsmore_2022, Martorell_2015, Zimmerman_2013, Jourdy_2019). The variant has also been reported in carriers not affected with Hemophilia A (e.g., Batlle_2016). These reports do not provide unequivocal conclusions about association of the variant with Factor VIII Deficiency (Hemophilia A). The following publications have been ascertained in the context of this evaluation (PMID: 26245874, 35743412, 35770352, 30690819, 36007526, 25652415, 23088352). ClinVar contains an entry for this variant (Variation ID: 618103). Based on the evidence outlined above, the variant was classified as uncertain significance.

GeneDx
Classification: Uncertain significance. Last evaluated: 2025-08-13. Review status: criteria provided, single submitter. Criteria: GeneDx Variant Classification Process June 2021. Collection method: clinical testing. Allele origin: germline. Affected: yes. Not counted in ClinVar's aggregate classification.
Comment: Published functional studies are inconsistent as to whether the variant affects splicing (PMID: 25652415, 23088352, 30690819); Not observed at significant frequency in large population cohorts (gnomAD); This variant is associated with the following publications: (PMID: 30690819, 23088352, 25652415, 29296726, 26245874, 36007526, 35770352, 35743412)

Ambry Genetics
Classification: Likely benign for Inborn genetic diseases. Last evaluated: 2025-03-06. Review status: criteria provided, single submitter. Criteria: Ambry Variant Classification Scheme 2023. Collection method: clinical testing. Allele origin: germline. Not counted in ClinVar's aggregate classification.

ARUP Laboratories, Molecular Genetics and Genomics, ARUP Laboratories
Classification: Likely pathogenic. Last evaluated: 2018-01-11. Review status: criteria provided, single submitter. Criteria: ARUP Molecular Germline Variant Investigation Process. Collection method: clinical testing. Allele origin: germline. Not counted in ClinVar's aggregate classification.
Comment: The F8 c.222G>A; p.Thr74Thr variant is reported in one patient presenting with mild hemophilia A and low FVIII levels (FVIII:48%) (Martorell 2015). mRNA analysis showed two bands of different sizes (1012bp and 890 bp), with the smaller resulting from exon 2 skipping which causes a frameshift and early termination codon (Martorell 2015).This variant is found in the general population with a low overall allele frequency of 0.001% (2 out of 200420 alleles) in the Genome Aggregation Database. This variant is a synonymous substitution in exon 2, where the codon change (ACG to ACA) does not alter the protein sequence. However, in support of the functional data, computational algorithms (SpliceSiteFinder-like, MaxEntScan, NNSplice, GeneSplicer, Human Splicing Finder) predict this variant creates a cryptic splice acceptor site and may impact splicing. Based on the above information, this variant is considered likely pathogenic. References: Martorell L et al. Molecular characterization of ten F8 splicing mutations in RNA isolated from patient's leucocytes: assessment of in silico prediction tools accuracy. Haemophilia. 2015 Mar;21(2):249-57.

Literature cited by the submitters: PubMed 23088352 (cited by Myriad Genetics, Inc. and Women's Health and Genetics/Laboratory Corporation of America, LabCorp); PubMed 25652415 (cited by Myriad Genetics, Inc. and Women's Health and Genetics/Laboratory Corporation of America, LabCorp); PubMed 30690819 (cited by Myriad Genetics, Inc. and Women's Health and Genetics/Laboratory Corporation of America, LabCorp); PubMed 34962362 (cited by Myriad Genetics, Inc.); PubMed 35770352 (cited by Women's Health and Genetics/Laboratory Corporation of America, LabCorp); PubMed 26245874 (cited by Women's Health and Genetics/Laboratory Corporation of America, LabCorp); PubMed 36007526 (cited by Women's Health and Genetics/Laboratory Corporation of America, LabCorp); PubMed 35743412 (cited by Women's Health and Genetics/Laboratory Corporation of America, LabCorp).